The following is an entry in ClinVar:

ClinVar aggregate classification (germline): Uncertain significance (1 of 4 stars; one submission).

Allele frequency attached by ClinVar (database versions not stated): gnomAD exomes below 0.00001; TOPMed below 0.00001; gnomAD 0.00001.
gnomAD v4.1: 6 of 1,357,416 alleles (0.00044%); highest among the groups gnomAD compares: Admixed American, 0.0056%; no homozygotes.

Submission:

Labcorp Genetics (formerly Invitae), Labcorp
Classification: Uncertain significance. Last evaluated: 2022-07-12. Review status: criteria provided, single submitter. Criteria: Invitae Variant Classification Sherloc (09022015). Collection method: clinical testing. Allele origin: germline.
Comment: In summary, the available evidence is currently insufficient to determine the role of this variant in disease. Therefore, it has been classified as a Variant of Uncertain Significance. Algorithms developed to predict the effect of missense changes on protein structure and function output the following: SIFT: "Tolerated"; PolyPhen-2: "Benign"; Align-GVGD: "Class C0". The arginine amino acid residue is found in multiple mammalian species, which suggests that this missense change does not adversely affect protein function. ClinVar contains an entry for this variant (Variation ID: 1377876). This variant has not been reported in the literature in individuals affected with TRAF3IP1-related conditions. This variant is not present in population databases (gnomAD no frequency). This sequence change replaces lysine, which is basic and polar, with arginine, which is basic and polar, at codon 304 of the TRAF3IP1 protein (p.Lys304Arg).

NM_015650.4(TRAF3IP1):c.911A>G (p.Lys304Arg)

Gene: TRAF3IP1 (TRAF3 interacting protein 1; plus strand). Cytogenetic location: 2q37.3.
Variant type: single nucleotide variant.
Coding change: c.911A>G on transcript NM_015650.4 (MANE Select); coding-DNA position 911, A replaced by G.
Protein change: p.Lys304Arg; replaces lysine 304 with arginine.
Molecular consequence: missense variant.
Genome position (GRCh38, 1-based): chr2:238,329,338, A>G. VCF-style: chr2-238329338-A-G. GRCh37 (hg19) VCF-style: chr2-239237979-A-G.
Other names: c.911A>G, p.Lys304Arg (NM_001139490.1); short protein forms K304R.
Identifiers: ClinVar variation 1377876 (VCV001377876.8), dbSNP rs997983485, ClinGen allele CA67980563.
Genomic context (GRCh38, chr2:238,329,338, plus strand): 5'-ACGGGGAGCACTCCTGGGACCTGGACAGGGAGAAGAACAGAGAGCATGACAAACCTGAGA[A>G]AAAGGTAAAGTCTTGCTGAGAACCTCGCCTTTTGCTTAGCAAGAGTTTGTGGTGGTCTCA-3'
Protein context (NP_056465.2, residues 294-314): EKNREHDKPE[Lys304Arg]KSASSGEMSK